The following is an entry in ClinVar:

NM_024642.5(GALNT12):c.28T>C (p.Cys10Arg)

Gene: GALNT12 (polypeptide N-acetylgalactosaminyltransferase 12; plus strand). Cytogenetic location: 9q22.33.
Variant type: single nucleotide variant.
Coding change: c.28T>C on transcript NM_024642.5 (MANE Select); coding-DNA position 28, T replaced by C.
Protein change: p.Cys10Arg; replaces cysteine 10 with arginine.
Molecular consequence: missense variant.
Genome position (GRCh38, 1-based): chr9:98,807,726, T>C. VCF-style: chr9-98807726-T-C. GRCh37 (hg19) VCF-style: chr9-101570008-T-C.
Other names: short protein forms C10R.
Identifiers: ClinVar variation 3518507 (VCV003518507.1).

ClinVar aggregate classification (germline): Uncertain significance (1 of 4 stars; one submission).

Submission:

Ambry Genetics
Classification: Uncertain significance. Last evaluated: 2024-10-11. Review status: criteria provided, single submitter. Criteria: Ambry Variant Classification Scheme 2023. Collection method: clinical testing. Allele origin: germline.
Comment: The p.C10R variant (also known as c.28T>C), located in coding exon 1 of the GALNT12 gene, results from a T to C substitution at nucleotide position 28. The cysteine at codon 10 is replaced by arginine, an amino acid with highly dissimilar properties. This amino acid position is conserved. In addition, this alteration is predicted to be tolerated by in silico analysis. Based on the available evidence, the clinical significance of this variant remains unclear.